The following is an entry in ClinVar:

ClinVar aggregate classification (germline): Uncertain significance. Review status: criteria provided, multiple submitters, no conflicts (2 of 4 stars). 2 submissions from 2 submitters: Uncertain significance (2). Last evaluated 2025-02-27.

Submissions (2):

Labcorp Genetics (formerly Invitae), Labcorp
Classification: Uncertain significance. Last evaluated: 2025-02-27. Review status: criteria provided, single submitter. Criteria: Invitae Variant Classification Sherloc (09022015). Collection method: clinical testing. Allele origin: germline.
Comment: This sequence change replaces serine, which is neutral and polar, with phenylalanine, which is neutral and non-polar, at codon 858 of the SAMD9 protein (p.Ser858Phe). This variant is not present in population databases (gnomAD no frequency). This variant has not been reported in the literature in individuals affected with SAMD9-related conditions. ClinVar contains an entry for this variant (Variation ID: 2837144). Invitae Evidence Modeling of protein sequence and biophysical properties (such as structural, functional, and spatial information, amino acid conservation, physicochemical variation, residue mobility, and thermodynamic stability) has been performed for this missense variant. However, the output from this modeling did not meet the statistical confidence thresholds required to predict the impact of this variant on SAMD9 protein function. In summary, the available evidence is currently insufficient to determine the role of this variant in disease. Therefore, it has been classified as a Variant of Uncertain Significance.

GeneDx
Classification: Uncertain significance. Last evaluated: 2024-05-14. Review status: criteria provided, single submitter. Criteria: GeneDx Variant Classification Process June 2021. Collection method: clinical testing. Allele origin: germline. Affected: yes.
Comment: Not observed at significant frequency in large population cohorts (gnomAD); In silico analysis supports that this missense variant has a deleterious effect on protein structure/function; Has not been previously published as pathogenic or benign to our knowledge; This variant is associated with the following publications: (PMID: 28545555)

NM_017654.4(SAMD9):c.2573C>T (p.Ser858Phe)

Gene: SAMD9 (sterile alpha motif domain containing 9; minus strand). Cytogenetic location: 7q21.2.
Variant type: single nucleotide variant.
Coding change: c.2573C>T on transcript NM_017654.4 (MANE Select); coding-DNA position 2573, C replaced by T.
Protein change: p.Ser858Phe; replaces serine 858 with phenylalanine.
Molecular consequence: missense variant.
Genome position (GRCh38, 1-based): chr7:93,103,525, G>A on the plus strand (C>T on the coding strand, the complement: SAMD9 is on the minus strand). VCF-style: chr7-93103525-G-A. GRCh37 (hg19) VCF-style: chr7-92732838-G-A.
Other names: c.2573C>T, p.Ser858Phe (NM_001193307.2); c.2573C>T (NM_017654.3); short protein forms S858F.
Identifiers: ClinVar variation 2837144 (VCV002837144.4), dbSNP rs2535357868, ClinGen allele CA368190095.